The following is an entry in ClinVar:

NM_002473.6(MYH9):c.160G>C (p.Ala54Pro)

Gene: MYH9 (myosin heavy chain 9; minus strand). Cytogenetic location: 22q12.3.
Variant type: single nucleotide variant.
Coding change: c.160G>C on transcript NM_002473.6 (MANE Select); coding-DNA position 160, G replaced by C.
Protein change: p.Ala54Pro; replaces alanine 54 with proline.
Molecular consequence: missense variant.
Genome position (GRCh38, 1-based): chr22:36,349,077, C>G on the plus strand (G>C on the coding strand, the complement: MYH9 is on the minus strand). VCF-style: chr22-36349077-C-G. GRCh37 (hg19) VCF-style: chr22-36745122-C-G.
Other names: short protein forms A54P.
Identifiers: ClinVar variation 3588027 (VCV003588027.3).

ClinVar aggregate classification (germline): Uncertain significance. Review status: criteria provided, multiple submitters, no conflicts (2 of 4 stars). 2 submissions from 2 submitters: Uncertain significance (2). Last evaluated 2025-01-29.

Conditions:
Macrothrombocytopenia and granulocyte inclusions with or without nephritis or sensorineural hearing loss (MATINS). Also called: SEBASTIAN PLATELET SYNDROME; MACROTHROMBOCYTOPENIA WITH DISPERSED LEUKOCYTIC INCLUSIONS; MACROTHROMBOCYTOPENIA, NEPHRITIS, AND DEAFNESS; MACROTHROMBOCYTOPENIA, NEPHRITIS, DEAFNESS, AND LEUKOCYTE INCLUSIONS; ALPORT SYNDROME WITH MACROTHROMBOCYTOPENIA; Fechtner syndrome. Identifiers: Orphanet 182050, MedGen C5200934, MONDO:0015912, OMIM 155100.
Autosomal dominant nonsyndromic hearing loss 17. Also called: Deafness, autosomal dominant 17; Autosomal dominant nonsyndromic deafness 17. Identifiers: Orphanet 90635, MedGen C1863659, MONDO:0011350, OMIM 603622.

gnomAD v4.1: 7 of 1,614,244 alleles (0.00043%); highest among the groups gnomAD compares: Non-Finnish European, 0.00059%; no homozygotes.

Submissions (2):

Labcorp Genetics (formerly Invitae), Labcorp
Classification: Uncertain significance. Last evaluated: 2025-01-29. Review status: criteria provided, single submitter. Criteria: Invitae Variant Classification Sherloc (09022015). Collection method: clinical testing. Allele origin: germline.
Comment: This sequence change replaces alanine, which is neutral and non-polar, with proline, which is neutral and non-polar, at codon 54 of the MYH9 protein (p.Ala54Pro). This variant is not present in population databases (gnomAD no frequency). This variant has not been reported in the literature in individuals affected with MYH9-related conditions. Invitae Evidence Modeling of protein sequence and biophysical properties (such as structural, functional, and spatial information, amino acid conservation, physicochemical variation, residue mobility, and thermodynamic stability) indicates that this missense variant is not expected to disrupt MYH9 protein function with a negative predictive value of 95%. In summary, the available evidence is currently insufficient to determine the role of this variant in disease. Therefore, it has been classified as a Variant of Uncertain Significance.

Fulgent Genetics
Classification: Uncertain significance for Macrothrombocytopenia and granulocyte inclusions with or without nephritis or sensorineural hearing loss; Autosomal dominant nonsyndromic hearing loss 17. Last evaluated: 2024-01-20. Review status: criteria provided, single submitter. Criteria: ACMG Guidelines, 2015. Collection method: clinical testing. Allele origin: germline.